The following is an entry in ClinVar:

ClinVar aggregate classification (germline): Benign (0 of 4 stars; one submission).

Conditions:
RAD1-related disorder. Also called: RAD1-related condition.

Allele frequency attached by ClinVar (database versions not stated): 1000 Genomes Project 30x 0.00390; 1000 Genomes Project 0.00439; TOPMed 0.01115; gnomAD 0.01357; ExAC 0.01365; ESP Exome Variant Server 0.01430.
gnomAD v4.1: 27,250 of 1,613,912 alleles (1.7%); highest among the groups gnomAD compares: Non-Finnish European, 1.9%; 314 homozygotes.

Submission:

PreventionGenetics, part of Exact Sciences
Classification: Benign for RAD1-related condition. Last evaluated: 2019-11-08. Review status: no assertion criteria provided. Collection method: clinical testing. Allele origin: germline.
Comment: This variant is classified as benign based on ACMG/AMP sequence variant interpretation guidelines (Richards et al. 2015 PMID: 25741868, with internal and published modifications).

NM_002853.4(RAD1):c.311C>G (p.Thr104Ser)

Genes: RAD1 (RAD1 checkpoint DNA exonuclease; minus strand), TTC23L (tetratricopeptide repeat domain 23 like; plus strand). Cytogenetic location: 5p13.2.
Variant type: single nucleotide variant.
Coding change: c.311C>G on transcript NM_002853.4 (MANE Select); coding-DNA position 311, C replaced by G.
Protein change: p.Thr104Ser; replaces threonine 104 with serine.
Molecular consequence: missense variant. On other transcripts: non-coding transcript variant (1).
Genome position (GRCh38, 1-based): chr5:34,911,809, G>C on the plus strand (C>G on the coding strand, the complement: RAD1 is on the minus strand). VCF-style: chr5-34911809-G-C. GRCh37 (hg19) VCF-style: chr5-34911914-G-C.
Other names: short protein forms T104S.
Identifiers: ClinVar variation 3042033 (VCV003042033.2), dbSNP rs1805328, ClinGen allele CA3227833.